The following is an entry in ClinVar:

ClinVar aggregate classification (germline): Uncertain significance (1 of 4 stars; one submission).

Conditions:
Gastrointestinal stromal tumor. Also called: Gastrointestinal stroma tumor; Gastrointestinal stromal tumor, somatic. Identifiers: Orphanet 44890, MedGen C0238198, MeSH D046152, MONDO:0011719, OMIM 606764, HP:0100723.

Allele frequency attached by ClinVar (database versions not stated): gnomAD exomes below 0.00001 and 0.00001.
gnomAD v4.1: 3 of 1,610,032 alleles (0.00019%); highest among the groups gnomAD compares: South Asian, 0.0033%; no homozygotes.

Submission:

Labcorp Genetics (formerly Invitae), Labcorp
Classification: Uncertain significance for Gastrointestinal stromal tumor. Last evaluated: 2022-08-10. Review status: criteria provided, single submitter. Criteria: Invitae Variant Classification Sherloc (09022015). Collection method: clinical testing. Allele origin: germline.
Comment: This variant has not been reported in the literature in individuals affected with KIT-related conditions. This variant is present in population databases (no rsID available, gnomAD 0.003%). This sequence change affects codon 308 of the KIT mRNA. It is a 'silent' change, meaning that it does not change the encoded amino acid sequence of the KIT protein. It affects a nucleotide within the consensus splice site. ClinVar contains an entry for this variant (Variation ID: 1390650). In summary, the available evidence is currently insufficient to determine the role of this variant in disease. Therefore, it has been classified as a Variant of Uncertain Significance. Algorithms developed to predict the effect of sequence changes on RNA splicing suggest that this variant may disrupt the consensus splice site.

NM_000222.3(KIT):c.924A>G (p.Val308=)

Gene: KIT (KIT proto-oncogene, receptor tyrosine kinase; plus strand). Cytogenetic location: 4q12.
Variant type: single nucleotide variant.
Coding change: c.924A>G on transcript NM_000222.3 (MANE Select); coding-DNA position 924, A replaced by G.
Protein change: p.Val308=; no amino-acid change (valine 308 retained).
Molecular consequence: synonymous variant.
Genome position (GRCh38, 1-based): chr4:54,703,891, A>G. VCF-style: chr4-54703891-A-G. GRCh37 (hg19) VCF-style: chr4-55570057-A-G.
Other names: c.924A>G, p.Val308= (NM_001093772.2, NM_001385285.1, NM_001385286.1); c.927A>G, p.Val309= (NM_001385284.1, NM_001385288.1, NM_001385290.1 and 1 more transcripts).
Identifiers: ClinVar variation 1390650 (VCV001390650.6), dbSNP rs1164605560, ClinGen allele CA439288519.